The following is an entry in ClinVar:

NM_016464.5(TMEM138):c.66_69del (p.Phe23fs)

Gene: TMEM138 (transmembrane protein 138; plus strand). Cytogenetic location: 11q12.2.
Variant type: Deletion.
Coding change: c.66_69del on transcript NM_016464.5 (MANE Select); coding-DNA positions 66 to 69, 4 bases deleted (CTTT; older notation c.66_69delCTTT).
Protein change: p.Phe23fs; shifts the reading frame from phenylalanine 23.
Molecular consequence: frameshift variant. On other transcripts: non-coding transcript variant (1), intron variant (1).
Genome position (GRCh38, 1-based): chr11:61,364,456-61,364,459, CTTT deleted; deleting any 4 consecutive bases within chr11:61,364,455-61,364,459 gives the same sequence; the c. name uses the placement nearest the transcript's 3' end. VCF-style (leftmost placement, unchanged base first): chr11-61364454-CTCTT-C. GRCh37 (hg19) VCF-style: chr11-61131926-CTCTT-C.
Other names: c.66_69del, p.Phe23fs (NM_001410997.1, NM_001410998.1, NM_001410999.1); c.-47+141_-47+144del (NM_001330281.2); short protein forms F23fs.
Identifiers: ClinVar variation 2498514 (VCV002498514.28), dbSNP rs2539860779, ClinGen allele CA2580084349.

ClinVar aggregate classification (germline): Likely pathogenic (1 of 4 stars; one submission).

Submission:

CeGaT Center for Human Genetics Tuebingen
Classification: Likely pathogenic. Last evaluated: 2023-01-01. Review status: criteria provided, single submitter. Criteria: CeGaT Center For Human Genetics Tuebingen Variant Classification Criteria Version 2. Collection method: clinical testing. Allele origin: germline. Affected: yes. Observed: 1 variant allele.
Comment: TMEM138: PP4:Strong, PM2